The following is an entry in ClinVar:

NM_024675.4(PALB2):c.1520C>T (p.Ala507Val)

Gene: PALB2 (partner and localizer of BRCA2; minus strand). Cytogenetic location: 16p12.2.
Variant type: single nucleotide variant.
Coding change: c.1520C>T on transcript NM_024675.4 (MANE Select); coding-DNA position 1520, C replaced by T.
Protein change: p.Ala507Val; replaces alanine 507 with valine.
Molecular consequence: missense variant.
Genome position (GRCh38, 1-based): chr16:23,635,026, G>A on the plus strand (C>T on the coding strand, the complement: PALB2 is on the minus strand). VCF-style: chr16-23635026-G-A. GRCh37 (hg19) VCF-style: chr16-23646347-G-A.
Other names: c.1460C>T, p.Ala487Val (NM_001407296.1); c.1520C>T, p.Ala507Val (NM_001407297.1, NM_001407298.1, NM_001407299.1 and 3 more transcripts); c.635C>T, p.Ala212Val (NM_001407304.1, NM_001407305.1, NM_001407306.1 and 5 more transcripts); short protein forms A212V, A487V, A507V.
Identifiers: ClinVar variation 2064662 (VCV002064662.5), dbSNP rs2142413640, ClinGen allele CA395130975.

ClinVar aggregate classification (germline): Uncertain significance. Review status: criteria provided, multiple submitters, no conflicts (2 of 4 stars). 2 submissions from 2 submitters: Uncertain significance (2). Last evaluated 2023-10-06.

Conditions:
Familial cancer of breast. Also called: BREAST CANCER, FAMILIAL; Hereditary breast cancer; hereditary breast carcinoma. Identifiers: Orphanet 227535, MedGen C0346153, MONDO:0016419, OMIM 114480. Disease mechanism: loss of function.

Allele frequency attached by ClinVar (database versions not stated): gnomAD exomes below 0.00001.
gnomAD v4.1: 1 of 1,614,168 alleles (0.000062%); highest among the groups gnomAD compares: South Asian, 0.0011%; no homozygotes.

Submissions (2):

Baylor Genetics
Classification: Uncertain significance for Familial cancer of breast. Last evaluated: 2023-10-06. Review status: criteria provided, single submitter. Criteria: ACMG Guidelines, 2015. Collection method: clinical testing. Allele origin: unknown.

Labcorp Genetics (formerly Invitae), Labcorp
Classification: Uncertain significance for Familial cancer of breast. Last evaluated: 2021-12-29. Review status: criteria provided, single submitter. Criteria: Invitae Variant Classification Sherloc (09022015). Collection method: clinical testing. Allele origin: germline.
Comment: In summary, the available evidence is currently insufficient to determine the role of this variant in disease. Therefore, it has been classified as a Variant of Uncertain Significance. This sequence change replaces alanine, which is neutral and non-polar, with valine, which is neutral and non-polar, at codon 507 of the PALB2 protein (p.Ala507Val). This variant is not present in population databases (gnomAD no frequency). This variant has not been reported in the literature in individuals affected with PALB2-related conditions. Algorithms developed to predict the effect of missense changes on protein structure and function (SIFT, PolyPhen-2, Align-GVGD) all suggest that this variant is likely to be tolerated. Algorithms developed to predict the effect of sequence changes on RNA splicing suggest that this variant may create or strengthen a splice site.